The following is an entry in ClinVar:

ClinVar aggregate classification (germline): Uncertain significance (1 of 4 stars; one submission).

Allele frequency attached by ClinVar (database versions not stated): TOPMed 0.00001; ESP Exome Variant Server 0.00015.
gnomAD v4.1: 4 of 1,614,004 alleles (0.00025%); highest among the groups gnomAD compares: Non-Finnish European, 0.00034%; no homozygotes.

Submission:

Ambry Genetics
Classification: Uncertain significance. Last evaluated: 2022-05-18. Review status: criteria provided, single submitter. Criteria: Ambry Variant Classification Scheme 2023. Collection method: clinical testing. Allele origin: germline.
Comment: The p.Q40K variant (also known as c.118C>A), located in coding exon 1 of the MNDA gene, results from a C to A substitution at nucleotide position 118. The glutamine at codon 40 is replaced by lysine, an amino acid with similar properties. This amino acid position is conserved. In addition, this alteration is predicted to be tolerated by in silico analysis. Since supporting evidence is limited at this time, the clinical significance of this alteration remains unclear.

NM_002432.3(MNDA):c.118C>A (p.Gln40Lys)

Gene: MNDA (myeloid cell nuclear differentiation antigen; plus strand). Cytogenetic location: 1q23.1.
Variant type: single nucleotide variant.
Coding change: c.118C>A on transcript NM_002432.3 (MANE Select); coding-DNA position 118, C replaced by A.
Protein change: p.Gln40Lys; replaces glutamine 40 with lysine.
Molecular consequence: missense variant.
Genome position (GRCh38, 1-based): chr1:158,842,271, C>A. VCF-style: chr1-158842271-C-A. GRCh37 (hg19) VCF-style: chr1-158812061-C-A.
Other names: short protein forms Q40K.
Identifiers: ClinVar variation 1744464 (VCV001744464.2), dbSNP rs145135870, ClinGen allele CA1185485.